The following is an entry in ClinVar:

NM_001330260.2(SCN8A):c.996A>T (p.Gln332His)

Gene: SCN8A (sodium voltage-gated channel alpha subunit 8; plus strand). Cytogenetic location: 12q13.13.
Variant type: single nucleotide variant.
Coding change: c.996A>T on transcript NM_001330260.2 (MANE Select); coding-DNA position 996, A replaced by T.
Protein change: p.Gln332His; replaces glutamine 332 with histidine.
Molecular consequence: missense variant.
Genome position (GRCh38, 1-based): chr12:51,702,776, A>T. VCF-style: chr12-51702776-A-T. GRCh37 (hg19) VCF-style: chr12-52096560-A-T.
Other names: c.996A>T, p.Gln332His (NM_001177984.3, NM_001369788.1, NM_014191.4); short protein forms Q332H.
Identifiers: ClinVar variation 4764159 (VCV004764159.1).

ClinVar aggregate classification (germline): Uncertain significance (1 of 4 stars; one submission).

Conditions:
Early-infantile DEE. Also called: Early infantile epileptic encephalopathy; Ohtahara syndrome; Early infantile epileptic encephalopathy with suppression bursts. Identifiers: Orphanet 1934, MedGen C0393706, MONDO:0800491.

gnomAD v4.1: 1 of 1,586,574 alleles (0.000063%); highest among the groups gnomAD compares: Non-Finnish European, 0.000086%; no homozygotes.

Submission:

Labcorp Genetics (formerly Invitae), Labcorp
Classification: Uncertain significance for Early-infantile DEE. Last evaluated: 2025-12-26. Review status: criteria provided, single submitter. Criteria: Invitae Variant Classification Sherloc (09022015). Collection method: clinical testing. Allele origin: germline.
Comment: This sequence change replaces glutamine, which is neutral and polar, with histidine, which is basic and polar, at codon 332 of the SCN8A protein (p.Gln332His). This variant is not present in population databases (gnomAD no frequency). This variant has not been reported in the literature in individuals affected with SCN8A-related conditions. Invitae Evidence Modeling of protein sequence and biophysical properties (such as structural, functional, and spatial information, amino acid conservation, physicochemical variation, residue mobility, and thermodynamic stability) indicates that this missense variant is not expected to disrupt SCN8A protein function with a negative predictive value of 95%. In summary, the available evidence is currently insufficient to determine the role of this variant in disease. Therefore, it has been classified as a Variant of Uncertain Significance.